The following is an entry in ClinVar:

ClinVar aggregate classification (germline): Pathogenic (1 of 4 stars; one submission).

Conditions:
Rhabdoid tumor predisposition syndrome 1 (RTPS1). Also called: Familial Posterior Fossa Brain Tumor of Infancy. Identifiers: Orphanet 231108, Orphanet 69077, MedGen C1836327, MONDO:0012252, OMIM 609322.

Submission:

Labcorp Genetics (formerly Invitae), Labcorp
Classification: Pathogenic for Rhabdoid tumor predisposition syndrome 1. Last evaluated: 2017-04-24. Review status: criteria provided, single submitter. Criteria: Invitae Variant Classification Sherloc (09022015). Collection method: clinical testing. Allele origin: germline.
Comment: A gross deletion of the genomic region encompassing the full coding sequence of the SMARCB1 gene has been identified. The boundaries of this event are unknown as the deletion extends beyond the assayed region for this gene and therefore may encompass additional genes. Loss-of-function variants in SMARCB1 are known to be pathogenic. Deletions of the entire SMARCB1 gene, and the gross deletion of chr22q11 encompassing the SMARCB1 gene, have been reported in multiple individuals affected with rhabdoid tumor (PMID: 27092963, 24123847, 24933152, 23154773, 22814326, 21208904, 21412926). For these reasons, this variant has been classified as Pathogenic.

NC_000022.11:g.(?_23787164)_(23834186_?)del

Gene: SMARCB1 (SWI/SNF related BAF chromatin remodeling complex subunit B1; plus strand). Cytogenetic location: 22q11.23.
Variant type: Deletion.
Identifiers: ClinVar variation 464313 (VCV000464313.1).